The following is an entry in ClinVar:

ClinVar aggregate classification (germline): Pathogenic (1 of 4 stars; one submission).

Submission:

Labcorp Genetics (formerly Invitae), Labcorp
Classification: Pathogenic. Last evaluated: 2022-03-09. Review status: criteria provided, single submitter. Criteria: Invitae Variant Classification Sherloc (09022015). Collection method: clinical testing. Allele origin: germline.
Comment: For these reasons, this variant has been classified as Pathogenic. This variant has not been reported in the literature in individuals affected with VPS13A-related conditions. This variant is not present in population databases (gnomAD no frequency). This sequence change creates a premature translational stop signal (p.Arg1969Lysfs*6) in the VPS13A gene. It is expected to result in an absent or disrupted protein product. Loss-of-function variants in VPS13A are known to be pathogenic (PMID: 12404112, 21598378).

Literature cited by the submitters: PubMed 12404112; PubMed 21598378.

NM_033305.3(VPS13A):c.5905dup (p.Arg1969fs)

Gene: VPS13A (vacuolar protein sorting 13 homolog A; plus strand). Cytogenetic location: 9q21.2.
Variant type: Duplication.
Coding change: c.5905dup on transcript NM_033305.3 (MANE Select); coding-DNA position 5905, one base duplicated (A; older notation c.5905dupA).
Protein change: p.Arg1969fs; shifts the reading frame from arginine 1969.
Molecular consequence: frameshift variant.
Genome position (GRCh38, 1-based): chr9:77,323,141, A duplicated. VCF-style (leftmost placement, unchanged base first): chr9-77323140-C-CA. GRCh37 (hg19) VCF-style: chr9-79938056-C-CA.
Other names: c.5788dup, p.Arg1930fs (NM_001018037.2); c.5905dup, p.Arg1969fs (NM_001018038.3, NM_015186.4); short protein forms R1930fs, R1969fs.
Identifiers: ClinVar variation 2107795 (VCV002107795.4), dbSNP rs2538015541, ClinGen allele CA2580080804.